The following is an entry in ClinVar:

NM_001458.5(FLNC):c.4914G>A (p.Lys1638=)

Gene: FLNC (filamin C; plus strand). Cytogenetic location: 7q32.1.
Variant type: single nucleotide variant.
Coding change: c.4914G>A on transcript NM_001458.5 (MANE Select); coding-DNA position 4914, G replaced by A.
Protein change: p.Lys1638=; no amino-acid change (lysine 1638 retained).
Molecular consequence: synonymous variant.
Genome position (GRCh38, 1-based): chr7:128,848,969, G>A. VCF-style: chr7-128848969-G-A. GRCh37 (hg19) VCF-style: chr7-128489023-G-A.
Other names: c.4914G>A, p.Lys1638= (NM_001127487.2).
Identifiers: ClinVar variation 775971 (VCV000775971.19), dbSNP rs371385321, ClinGen allele CA4475476.

ClinVar aggregate classification (germline): Likely benign. Review status: criteria provided, multiple submitters, no conflicts (2 of 4 stars). 6 submissions from 6 submitters: Likely benign (4). 2 of the submissions do not count toward it. Last evaluated 2026-05-01.

Conditions:
Cardiovascular phenotype. Identifiers: MedGen CN230736.
Myofibrillar myopathy 5. Also called: Filaminopathy (type); FILAMINOPATHY, AUTOSOMAL DOMINANT. Identifiers: Orphanet 171445, MedGen C1836050, MONDO:0012289, OMIM 609524.
Distal myopathy with posterior leg and anterior hand involvement. Also called: WILLIAMS DISTAL MYOPATHY. Identifiers: Orphanet 63273, MedGen C3279722, MONDO:0013550, OMIM 614065.
Hypertrophic cardiomyopathy 26. Also called: Cardiomyopathy, familial hypertrophic, 26. Identifiers: Orphanet 75249, MedGen C4310749, MONDO:0014883, OMIM 617047.

Allele frequency attached by ClinVar (database versions not stated): gnomAD 0.00007 and 0.00009; TOPMed 0.00011; ESP Exome Variant Server 0.00016.
gnomAD v4.1: 163 of 1,611,752 alleles (0.01%); highest among the groups gnomAD compares: Non-Finnish European, 0.012%; no homozygotes.

Submissions (6):

CeGaT Center for Human Genetics Tuebingen
Classification: Likely benign. Last evaluated: 2026-05-01. Review status: criteria provided, single submitter. Criteria: CeGaT Center For Human Genetics Tuebingen Variant Classification Criteria Version 2. Collection method: clinical testing. Allele origin: germline. Affected: yes. Observed: 1 variant allele.
Comment: FLNC: BP4, BS2

Labcorp Genetics (formerly Invitae), Labcorp
Classification: Likely benign for Distal myopathy with posterior leg and anterior hand involvement; Myofibrillar myopathy 5; Hypertrophic cardiomyopathy 26. Last evaluated: 2026-01-27. Review status: criteria provided, single submitter. Criteria: Invitae Variant Classification Sherloc (09022015). Collection method: clinical testing. Allele origin: germline.

Molecular Diagnostic Laboratory for Inherited Cardiovascular Disease, Montreal Heart Institute
Classification: Likely benign. Last evaluated: 2025-04-09. Review status: criteria provided, single submitter. Criteria: ACMG Guidelines, 2015. Collection method: clinical testing. Allele origin: germline. Affected: no.
Comment: BP6;BP7

Ambry Genetics
Classification: Likely benign for Cardiovascular phenotype. Last evaluated: 2020-12-05. Review status: criteria provided, single submitter. Criteria: Ambry Variant Classification Scheme 2023. Collection method: clinical testing. Allele origin: germline.

Clinical Genetics, Academic Medical Center
Classification: Benign. Review status: no assertion criteria provided. Collection method: clinical testing. Allele origin: germline. Affected: yes. Study: VKGL Data-share Consensus. Not counted in ClinVar's aggregate classification.

Joint Genome Diagnostic Labs from Nijmegen and Maastricht, Radboudumc and MUMC+
Classification: Likely benign. Review status: no assertion criteria provided. Collection method: clinical testing. Allele origin: germline. Affected: yes. Study: VKGL Data-share Consensus. Not counted in ClinVar's aggregate classification.